The following is an entry in ClinVar:

NC_000018.9:g.(?_46562756)_(46570575_46623771)del

Gene: DYM (dymeclin; minus strand). Cytogenetic location: 18q21.1.
Variant type: Deletion.
Identifiers: ClinVar variation 4535938 (VCV004535938.1).

ClinVar aggregate classification (germline): Uncertain significance (1 of 4 stars; one submission).

Submission:

Women's Health and Genetics/Laboratory Corporation of America, LabCorp
Classification: Uncertain significance. Last evaluated: 2025-09-29. Review status: criteria provided, single submitter. Criteria: LabCorp Variant Classification Summary - May 2015. Collection method: clinical testing. Allele origin: germline.
Comment: Variant summary: The variant involves the deletion of exon 17 in the DYM gene. A presumed nomenclature of c.(1860+1_1861-1)_(*7669_?)del has been designated for the purposes of this classification. The exact breakpoint at the distal 3' end of this variant is unknown, therefore this deletion may extend downstream of the annotated region of the gene. As it encompasses the termination codon, it is predicted to escape nonsense mediated decay (NMD). Loss-of-function variants in this gene are known to be pathogenic. The variant was absent in 21694 control chromosomes. To our knowledge, no occurrence of similar CNVs in individuals affected with DYM-related conditions and no experimental evidence demonstrating its impact on protein function have been reported. No submitters have cited clinical-significance assessments for this variant to ClinVar. Based on the evidence outlined above, the variant was classified as uncertain significance.